The following is an entry in ClinVar:

ClinVar aggregate classification (germline): Uncertain significance (1 of 4 stars; one submission).

Allele frequency attached by ClinVar (database versions not stated): gnomAD exomes below 0.00001 and 0.00001; ExAC 0.00001; gnomAD 0.00001.
gnomAD v4.1: 2 of 1,612,604 alleles (0.00012%); highest among the groups gnomAD compares: Admixed American, 0.0017%; no homozygotes.

Submission:

Labcorp Genetics (formerly Invitae), Labcorp
Classification: Uncertain significance. Last evaluated: 2022-08-19. Review status: criteria provided, single submitter. Criteria: Invitae Variant Classification Sherloc (09022015). Collection method: clinical testing. Allele origin: germline.
Comment: This variant has not been reported in the literature in individuals affected with CLCN7-related conditions. In summary, the available evidence is currently insufficient to determine the role of this variant in disease. Therefore, it has been classified as a Variant of Uncertain Significance. Advanced modeling of protein sequence and biophysical properties (such as structural, functional, and spatial information, amino acid conservation, physicochemical variation, residue mobility, and thermodynamic stability) performed at Invitae indicates that this missense variant is not expected to disrupt CLCN7 protein function. ClinVar contains an entry for this variant (Variation ID: 1400996). This variant is present in population databases (rs778420950, gnomAD 0.006%). This sequence change replaces valine, which is neutral and non-polar, with methionine, which is neutral and non-polar, at codon 593 of the CLCN7 protein (p.Val593Met).

NM_001287.6(CLCN7):c.1777G>A (p.Val593Met)

Gene: CLCN7 (chloride voltage-gated channel 7; minus strand). Cytogenetic location: 16p13.3.
Variant type: single nucleotide variant.
Coding change: c.1777G>A on transcript NM_001287.6 (MANE Select); coding-DNA position 1777, G replaced by A.
Protein change: p.Val593Met; replaces valine 593 with methionine.
Molecular consequence: missense variant.
Genome position (GRCh38, 1-based): chr16:1,448,986, C>T on the plus strand (G>A on the coding strand, the complement: CLCN7 is on the minus strand). VCF-style: chr16-1448986-C-T. GRCh37 (hg19) VCF-style: chr16-1498987-C-T.
Other names: c.1705G>A, p.Val569Met (NM_001114331.3); short protein forms V569M, V593M.
Identifiers: ClinVar variation 1400996 (VCV001400996.8), dbSNP rs778420950, ClinGen allele CA7810086.